The following is an entry in ClinVar:

NM_199355.4(ADAMTS18):c.2282C>G (p.Ala761Gly)

Gene: ADAMTS18 (ADAM metallopeptidase with thrombospondin type 1 motif 18; minus strand). Cytogenetic location: 16q23.1.
Variant type: single nucleotide variant.
Coding change: c.2282C>G on transcript NM_199355.4 (MANE Select); coding-DNA position 2282, C replaced by G.
Protein change: p.Ala761Gly; replaces alanine 761 with glycine.
Molecular consequence: missense variant.
Genome position (GRCh38, 1-based): chr16:77,321,084, G>C on the plus strand (C>G on the coding strand, the complement: ADAMTS18 is on the minus strand). VCF-style: chr16-77321084-G-C. GRCh37 (hg19) VCF-style: chr16-77354981-G-C.
Other names: c.1766C>G, p.Ala589Gly (NM_001326358.2); short protein forms A589G, A761G.
Identifiers: ClinVar variation 1715310 (VCV001715310.5), dbSNP rs2543647656, ClinGen allele CA396828157.

ClinVar aggregate classification (germline): Uncertain significance (1 of 4 stars; one submission).

Submission:

Labcorp Genetics (formerly Invitae), Labcorp
Classification: Uncertain significance. Last evaluated: 2022-08-06. Review status: criteria provided, single submitter. Criteria: Invitae Variant Classification Sherloc (09022015). Collection method: clinical testing. Allele origin: germline.
Comment: In summary, the available evidence is currently insufficient to determine the role of this variant in disease. Therefore, it has been classified as a Variant of Uncertain Significance. Algorithms developed to predict the effect of missense changes on protein structure and function are either unavailable or do not agree on the potential impact of this missense change (SIFT: "Not Available"; PolyPhen-2: "Benign"; Align-GVGD: "Not Available"). This variant has not been reported in the literature in individuals affected with ADAMTS18-related conditions. This variant is not present in population databases (gnomAD no frequency). This sequence change replaces alanine, which is neutral and non-polar, with glycine, which is neutral and non-polar, at codon 761 of the ADAMTS18 protein (p.Ala761Gly).